The following is an entry in ClinVar:

ClinVar aggregate classification (germline): Pathogenic (1 of 4 stars; one submission).

Conditions:
Immunodeficiency 35 (IMD35). Also called: HIES WITH ATYPICAL MYCOBACTERIOSIS, AUTOSOMAL RECESSIVE; HYPER-IgE SYNDROME WITH ATYPICAL MYCOBACTERIOSIS, AUTOSOMAL RECESSIVE; TYK2 DEFICIENCY; Susceptibility to infection due to TYK2 deficiency. Identifiers: Orphanet 331226, MedGen C1969086, MONDO:0012682, OMIM 611521.

Submission:

Labcorp Genetics (formerly Invitae), Labcorp
Classification: Pathogenic for Immunodeficiency 35. Last evaluated: 2024-11-14. Review status: criteria provided, single submitter. Criteria: Invitae Variant Classification Sherloc (09022015). Collection method: clinical testing. Allele origin: germline.
Comment: This sequence change creates a premature translational stop signal (p.Arg503*) in the TYK2 gene. It is expected to result in an absent or disrupted protein product. Loss-of-function variants in TYK2 are known to be pathogenic (PMID: 22402565, 26304966). The frequency data for this variant in the population databases is considered unreliable, as metrics indicate poor data quality at this position in the gnomAD database. This premature translational stop signal has been observed in individual(s) with tyrosine kinase 2 deficiency (PMID: 34569645). For these reasons, this variant has been classified as Pathogenic.

Literature cited by the submitters: PubMed 22402565; PubMed 26304966; PubMed 34569645.

NM_003331.5(TYK2):c.1507C>T (p.Arg503Ter)

Gene: TYK2 (tyrosine kinase 2; minus strand). Cytogenetic location: 19p13.2.
Variant type: single nucleotide variant.
Coding change: c.1507C>T on transcript NM_003331.5 (MANE Select); coding-DNA position 1507, C replaced by T.
Protein change: p.Arg503Ter; replaces arginine 503 with a stop codon.
Molecular consequence: nonsense. On other transcripts: intron variant (1).
Genome position (GRCh38, 1-based): chr19:10,362,426, G>A on the plus strand (C>T on the coding strand, the complement: TYK2 is on the minus strand). VCF-style: chr19-10362426-G-A. GRCh37 (hg19) VCF-style: chr19-10473102-G-A.
Other names: c.1507C>T, p.Arg503Ter (NM_001385197.1, NM_001385198.1, NM_001385199.1 and 6 more transcripts); c.1309C>T, p.Arg437Ter (NM_001385201.1); c.1417C>T, p.Arg473Ter (NM_001385205.1); c.1477-96C>T (NM_001385206.1); short protein forms R473*, R503*, R437*.
Identifiers: ClinVar variation 3684066 (VCV003684066.2).